The following is an entry in ClinVar:

NM_000346.4(SOX9):c.436C>G (p.Leu146Val)

Gene: SOX9 (SRY-box transcription factor 9; plus strand). Cytogenetic location: 17q24.3.
Variant type: single nucleotide variant.
Coding change: c.436C>G on transcript NM_000346.4 (MANE Select); coding-DNA position 436, C replaced by G.
Protein change: p.Leu146Val; replaces leucine 146 with valine.
Molecular consequence: missense variant.
Genome position (GRCh38, 1-based): chr17:72,122,723, C>G. VCF-style: chr17-72122723-C-G. GRCh37 (hg19) VCF-style: chr17-70118864-C-G.
Other names: short protein forms L146V.
Identifiers: ClinVar variation 1502752 (VCV001502752.6), dbSNP rs2143244977, ClinGen allele CA400866289.

ClinVar aggregate classification (germline): Uncertain significance (1 of 4 stars; one submission).

Conditions:
Camptomelic dysplasia (CMPD). Also called: Campomelic Dysplasia; CMPD1/SRA1. Identifiers: Orphanet 140, MedGen C1861922, MONDO:0007251, OMIM 114290.

Submission:

Labcorp Genetics (formerly Invitae), Labcorp
Classification: Uncertain significance for Camptomelic dysplasia. Last evaluated: 2021-11-10. Review status: criteria provided, single submitter. Criteria: Invitae Variant Classification Sherloc (09022015). Collection method: clinical testing. Allele origin: germline.
Comment: In summary, the available evidence is currently insufficient to determine the role of this variant in disease. Therefore, it has been classified as a Variant of Uncertain Significance. This sequence change replaces leucine, which is neutral and non-polar, with valine, which is neutral and non-polar, at codon 146 of the SOX9 protein (p.Leu146Val). This variant is not present in population databases (gnomAD no frequency). This variant has not been reported in the literature in individuals affected with SOX9-related conditions. Algorithms developed to predict the effect of missense changes on protein structure and function (SIFT, PolyPhen-2, Align-GVGD) all suggest that this variant is likely to be tolerated.